The following is an entry in ClinVar:

ClinVar aggregate classification (germline): Uncertain significance (1 of 4 stars; one submission).

Conditions:
Hyperaldosteronism, familial, type IV (HALD4). Also called: FH IV; ALDOSTERONISM, PRIMARY, AND HYPERTENSION. Identifiers: Orphanet 642671, MedGen C4310756, MONDO:0014875, OMIM 617027.
Idiopathic generalized epilepsy. Also called: EIG; Generalised epilepsy. Identifiers: MedGen C0270850, MONDO:0005579, OMIM 600669.

gnomAD v4.1: 1 of 1,610,330 alleles (0.000062%); no homozygotes.

Submission:

Labcorp Genetics (formerly Invitae), Labcorp
Classification: Uncertain significance for Idiopathic generalized epilepsy; Hyperaldosteronism, familial, type IV. Last evaluated: 2023-05-15. Review status: criteria provided, single submitter. Criteria: Invitae Variant Classification Sherloc (09022015). Collection method: clinical testing. Allele origin: germline.
Comment: This sequence change replaces lysine, which is basic and polar, with glutamine, which is neutral and polar, at codon 1576 of the CACNA1H protein (p.Lys1576Gln). This variant is not present in population databases (gnomAD no frequency). This variant has not been reported in the literature in individuals affected with CACNA1H-related conditions. Advanced modeling of protein sequence and biophysical properties (such as structural, functional, and spatial information, amino acid conservation, physicochemical variation, residue mobility, and thermodynamic stability) performed at Invitae indicates that this missense variant is expected to disrupt CACNA1H protein function. In summary, the available evidence is currently insufficient to determine the role of this variant in disease. Therefore, it has been classified as a Variant of Uncertain Significance.

NM_021098.3(CACNA1H):c.4726A>C (p.Lys1576Gln)

Gene: CACNA1H (calcium voltage-gated channel subunit alpha1 H; plus strand). Cytogenetic location: 16p13.3.
Variant type: single nucleotide variant.
Coding change: c.4726A>C on transcript NM_021098.3 (MANE Select); coding-DNA position 4726, A replaced by C.
Protein change: p.Lys1576Gln; replaces lysine 1576 with glutamine.
Molecular consequence: missense variant.
Genome position (GRCh38, 1-based): chr16:1,212,105, A>C. VCF-style: chr16-1212105-A-C. GRCh37 (hg19) VCF-style: chr16-1262105-A-C.
Other names: c.4726A>C, p.Lys1576Gln (NM_001005407.2); short protein forms K1576Q.
Identifiers: ClinVar variation 2942197 (VCV002942197.3), dbSNP rs2548708190, ClinGen allele CA394181142.
Genomic context (GRCh38, chr16:1,212,105, plus strand): 5'-GAGAACTTCCACAAGTGCCGGCAGCACCAGGAGGCGGAGGAGGCGCGGCGGCGAGAGGAG[A>C]AGCGGCTGCGGCGCCTAGAGAGGAGGCGCAGGAGTAAGGCGCTCCCGGTGGCGGTGGCGG-3'
Protein context (NP_066921.2, residues 1566-1586): EAEEARRREE[Lys1576Gln]RLRRLERRRR